The following is an entry in ClinVar:

ClinVar aggregate classification (germline): Benign/Likely benign. Review status: criteria provided, multiple submitters, no conflicts (2 of 4 stars). 3 submissions from 3 submitters: Benign (1); Likely benign (2). Last evaluated 2025-05-01.

Conditions:
Inborn genetic diseases. Identifiers: MedGen C0950123, MeSH D030342.

Allele frequency attached by ClinVar (database versions not stated): ExAC 0.00025; gnomAD 0.00025 and 0.00028; gnomAD exomes 0.00027; 1000 Genomes Project 0.00040; TOPMed 0.00047; ESP Exome Variant Server 0.00062; 1000 Genomes Project 30x 0.00078.
gnomAD v4.1: 556 of 1,614,086 alleles (0.034%); highest among the groups gnomAD compares: Admixed American, 0.055%; no homozygotes.

Submissions (3):

CeGaT Center for Human Genetics Tuebingen
Classification: Likely benign. Last evaluated: 2025-05-01. Review status: criteria provided, single submitter. Criteria: CeGaT Center For Human Genetics Tuebingen Variant Classification Criteria Version 2. Collection method: clinical testing. Allele origin: germline. Affected: yes. Observed: 1 variant allele.
Comment: ARID2: BS1

Ambry Genetics
Classification: Likely benign for Inborn genetic diseases. Last evaluated: 2021-10-02. Review status: criteria provided, single submitter. Criteria: Ambry Variant Classification Scheme 2023. Collection method: clinical testing. Allele origin: germline.

Labcorp Genetics (formerly Invitae), Labcorp
Classification: Benign. Last evaluated: 2019-12-31. Review status: criteria provided, single submitter. Criteria: Invitae Variant Classification Sherloc (09022015). Collection method: clinical testing. Allele origin: germline.

NM_152641.4(ARID2):c.2246C>T (p.Thr749Ile)

Gene: ARID2 (AT-rich interaction domain 2; plus strand). Cytogenetic location: 12q12.
Variant type: single nucleotide variant.
Coding change: c.2246C>T on transcript NM_152641.4 (MANE Select); coding-DNA position 2246, C replaced by T.
Protein change: p.Thr749Ile; replaces threonine 749 with isoleucine.
Molecular consequence: missense variant.
Genome position (GRCh38, 1-based): chr12:45,850,369, C>T. VCF-style: chr12-45850369-C-T. GRCh37 (hg19) VCF-style: chr12-46244152-C-T.
Other names: c.2246C>T, p.Thr749Ile (NM_001347839.2); short protein forms T749I.
Identifiers: ClinVar variation 725506 (VCV000725506.15), dbSNP rs138384363, ClinGen allele CA6526314.